The following is an entry in ClinVar:

ClinVar aggregate classification (germline): Uncertain significance (1 of 4 stars; one submission).

Allele frequency attached by ClinVar (database versions not stated): gnomAD exomes below 0.00001.
gnomAD v4.1: 1 of 1,614,034 alleles (0.000062%); highest among the groups gnomAD compares: East Asian, 0.0022%; no homozygotes.

Submission:

Labcorp Genetics (formerly Invitae), Labcorp
Classification: Uncertain significance. Last evaluated: 2022-05-01. Review status: criteria provided, single submitter. Criteria: Invitae Variant Classification Sherloc (09022015). Collection method: clinical testing. Allele origin: germline.
Comment: This sequence change replaces tyrosine, which is neutral and polar, with asparagine, which is neutral and polar, at codon 2439 of the CDH23 protein (p.Tyr2439Asn). This variant is present in population databases (no rsID available, gnomAD 0.01%). This variant has not been reported in the literature in individuals affected with CDH23-related conditions. Algorithms developed to predict the effect of missense changes on protein structure and function are either unavailable or do not agree on the potential impact of this missense change (SIFT: "Deleterious"; PolyPhen-2: "Not Available"; Align-GVGD: "Class C65"). In summary, the available evidence is currently insufficient to determine the role of this variant in disease. Therefore, it has been classified as a Variant of Uncertain Significance.

NM_022124.6(CDH23):c.7315T>A (p.Tyr2439Asn)

Gene: CDH23 (cadherin related 23; plus strand). Cytogenetic location: 10q22.1.
Variant type: single nucleotide variant.
Coding change: c.7315T>A on transcript NM_022124.6 (MANE Select); coding-DNA position 7315, T replaced by A.
Protein change: p.Tyr2439Asn; replaces tyrosine 2439 with asparagine.
Molecular consequence: missense variant.
Genome position (GRCh38, 1-based): chr10:71,799,582, T>A. VCF-style: chr10-71799582-T-A. GRCh37 (hg19) VCF-style: chr10-73559339-T-A.
Other names: c.595T>A, p.Tyr199Asn (NM_001171933.1, NM_001171934.1); short protein forms Y2439N, Y199N.
Identifiers: ClinVar variation 2058338 (VCV002058338.2), dbSNP rs1192111055, ClinGen allele CA377159532.